The following is an entry in ClinVar:

ClinVar aggregate classification (germline): Pathogenic/Likely pathogenic. Review status: criteria provided, multiple submitters, no conflicts (2 of 4 stars). 2 submissions from 2 submitters: Pathogenic (1); Likely pathogenic (1). Last evaluated 2019-05-09.

Conditions:
KBG syndrome (KBGS). Also called: ANKRD11-Related KBG Syndrome. Identifiers: Orphanet 2332, MedGen C0220687, MONDO:0007846, OMIM 148050.

Allele frequency attached by ClinVar (database versions not stated): gnomAD exomes below 0.00001.
gnomAD v4.1: 1 of 1,612,620 alleles (0.000062%); highest among the groups gnomAD compares: Non-Finnish European, 0.000085%; no homozygotes.

Submissions (2):

GeneDx
Classification: Pathogenic. Last evaluated: 2019-05-09. Review status: criteria provided, single submitter. Criteria: GeneDx Variant Classification Process June 2021. Collection method: clinical testing. Allele origin: germline. Affected: yes.
Comment: Not observed in large population cohorts (Lek et al., 2016); In silico analysis, which includes protein predictors and evolutionary conservation, supports a deleterious effect; Has not been previously published as pathogenic or benign to our knowledge

Genome Medicine, Institute for Basic Research in Developmental Disabilities
Classification: Likely pathogenic for KBG syndrome. Review status: criteria provided, single submitter. Criteria: ACMG Guidelines, 2015. Collection method: clinical testing. Allele origin: de novo. Affected: yes. Observed: 1 variant allele.

Literature cited by the submitters: PubMed 35970914 (cited by Genome Medicine, Institute for Basic Research in Developmental Disabilities).

NM_013275.6(ANKRD11):c.7354C>G (p.Arg2452Gly)

Gene: ANKRD11 (ankyrin repeat domain 11; minus strand). Cytogenetic location: 16q24.3.
Variant type: single nucleotide variant.
Coding change: c.7354C>G on transcript NM_013275.6 (MANE Select); coding-DNA position 7354, C replaced by G.
Protein change: p.Arg2452Gly; replaces arginine 2452 with glycine.
Molecular consequence: missense variant.
Genome position (GRCh38, 1-based): chr16:89,279,188, G>C on the plus strand (C>G on the coding strand, the complement: ANKRD11 is on the minus strand). VCF-style: chr16-89279188-G-C. GRCh37 (hg19) VCF-style: chr16-89345596-G-C.
Other names: c.7354C>G, p.Arg2452Gly (NM_001256182.2, NM_001256183.2); short protein forms R2452G.
Identifiers: ClinVar variation 429712 (VCV000429712.5), dbSNP rs1064795497, ClinGen allele CA397148533.